The following is an entry in ClinVar:

ClinVar aggregate classification (germline): Pathogenic (1 of 4 stars; one submission).

Conditions:
Duchenne muscular dystrophy (DMD). Also called: Duchenne Muscular Dystrophy (DMD); MUSCULAR DYSTROPHY, PSEUDOHYPERTROPHIC PROGRESSIVE, DUCHENNE TYPE. Identifiers: Orphanet 98896, MedGen C0013264, MONDO:0010679, OMIM 310200.

Submission:

Labcorp Genetics (formerly Invitae), Labcorp
Classification: Pathogenic for Duchenne muscular dystrophy. Last evaluated: 2023-07-31. Review status: criteria provided, single submitter. Criteria: Invitae Variant Classification Sherloc (09022015). Collection method: clinical testing. Allele origin: germline.
Comment: For these reasons, this variant has been classified as Pathogenic. A similar copy number variant has been observed in individuals with DMD-related muscular dystrophy (PMID: 19937601, 25482253; Invitae). This variant is a gross deletion of the genomic region encompassing exon(s) 3-12 of the DMD gene. This variant would be expected to be in-frame, preserving the integrity of the reading frame.

Literature cited by the submitters: PubMed 19937601; PubMed 25482253.

NC_000023.11:g.(?_32614283)_(32849840_?)del

Genes: DMD (dystrophin; minus strand), MIR548F5 (microRNA 548f-5; minus strand). Cytogenetic location: Xp21.1.
Variant type: Deletion.
Identifiers: ClinVar variation 526156 (VCV000526156.9).